The following is an entry in ClinVar:

ClinVar aggregate classification (germline): Likely pathogenic (1 of 4 stars; one submission).

Submission:

GeneDx
Classification: Likely pathogenic. Last evaluated: 2026-04-20. Review status: criteria provided, single submitter. Criteria: GeneDx Variant Classification Process June 2021. Collection method: clinical testing. Allele origin: germline.
Comment: Not observed at significant frequency in large population cohorts (gnomAD); In-frame deletion of 1 amino acid in a non-repeat region; In silico analysis supports a deleterious effect on protein structure/function; This variant is associated with the following publications: (PMID: 32506361)

NM_003998.4(NFKB1):c.1793TGG[1] (p.Val599del)

Gene: NFKB1 (nuclear factor kappa B subunit 1; plus strand). Cytogenetic location: 4q24.
Variant type: Microsatellite.
Coding change: c.1793TGG[1] on transcript NM_003998.4 (MANE Select); one copy of the 3-base unit TGG starting at c.1793; the reference has two copies in a row; one copy, 3 bases deleted.
Protein change: p.Val599del; deletes valine 599.
Molecular consequence: inframe deletion.
Genome position (GRCh38, 1-based): chr4:102,606,539-102,606,541, TGG deleted; deleting any 3 consecutive bases within chr4:102,606,535-102,606,541 gives the same sequence; the position shown is the placement nearest the transcript's 3' end. VCF-style (leftmost placement, unchanged base first): chr4-102606534-TGTG-T. GRCh37 (hg19) VCF-style: chr4-103527691-TGTG-T.
Other names: c.1790TGG[1], p.Val598del (NM_001165412.2, NM_001319226.2, NM_001382627.1); c.1793TGG[1], p.Val599del (NM_001382625.1, NM_001382626.1); c.1751TGG[1], p.Val585del (NM_001382628.1); short protein forms V585del, V598del, V599del.
Identifiers: ClinVar variation 5037733 (VCV005037733.1).